The following is an entry in ClinVar:

ClinVar aggregate classification (germline): Uncertain significance. Review status: criteria provided, multiple submitters, no conflicts (2 of 4 stars). 2 submissions from 2 submitters: Uncertain significance (2). Last evaluated 2024-12-11.

Conditions:
Microcephaly, normal intelligence and immunodeficiency (NBS). Also called: Nijmegen breakage syndrome; Microcephaly with normal intelligence immunodeficiency and lymphoreticular malignancies; Nonsyndromal microcephaly autosomal recessive with normal intelligence; Seemanova syndrome 2; Ataxia telangiectasia variant V1; SEEMANOVA SYNDROME II. Identifiers: Orphanet 647, MedGen C0398791, MONDO:0009623, OMIM 251260.

Submissions (2):

Quest Diagnostics Nichols Institute San Juan Capistrano
Classification: Uncertain significance. Last evaluated: 2024-12-11. Review status: criteria provided, single submitter. Criteria: Quest Diagnostics criteria. Collection method: clinical testing. Allele origin: unknown.
Comment: The NBN c.1874A>C (p.Glu625Ala) variant has not been reported in individuals with NBN-related conditions in the published literature. It also has not been reported in large, multi-ethnic general populations (Genome Aggregation Database). Analysis of this variant using bioinformatics tools for the prediction of the effect of amino acid changes on protein structure and function yielded predictions that this variant is benign. Based on the available information, we are unable to determine the clinical significance of this variant.

Labcorp Genetics (formerly Invitae), Labcorp
Classification: Uncertain significance for Microcephaly, normal intelligence and immunodeficiency. Last evaluated: 2022-07-29. Review status: criteria provided, single submitter. Criteria: Invitae Variant Classification Sherloc (09022015). Collection method: clinical testing. Allele origin: germline.
Comment: In summary, the available evidence is currently insufficient to determine the role of this variant in disease. Therefore, it has been classified as a Variant of Uncertain Significance. Algorithms developed to predict the effect of missense changes on protein structure and function are either unavailable or do not agree on the potential impact of this missense change (SIFT: "Deleterious"; PolyPhen-2: "Benign"; Align-GVGD: "Class C0"). This variant has not been reported in the literature in individuals affected with NBN-related conditions. This variant is not present in population databases (gnomAD no frequency). This sequence change replaces glutamic acid, which is acidic and polar, with alanine, which is neutral and non-polar, at codon 625 of the NBN protein (p.Glu625Ala).

NM_002485.5(NBN):c.1874A>C (p.Glu625Ala)

Genes: NBN (nibrin; minus strand), LOC126860438 (MED14-independent group 3 enhancer GRCh37_chr8:90959982-90961181; plus strand). Cytogenetic location: 8q21.3.
Variant type: single nucleotide variant.
Coding change: c.1874A>C on transcript NM_002485.5 (MANE Select); coding-DNA position 1874, A replaced by C.
Protein change: p.Glu625Ala; replaces glutamic acid 625 with alanine.
Molecular consequence: missense variant.
Genome position (GRCh38, 1-based): chr8:89,947,864, T>G on the plus strand (A>C on the coding strand, the complement: NBN is on the minus strand). VCF-style: chr8-89947864-T-G. GRCh37 (hg19) VCF-style: chr8-90960092-T-G.
Other names: c.1628A>C, p.Glu543Ala (NM_001024688.3); short protein forms E543A, E625A.
Identifiers: ClinVar variation 1714180 (VCV001714180.7), dbSNP rs1554556929, ClinGen allele CA371677264.